The following is an entry in ClinVar:

NM_199420.4(POLQ):c.6862G>A (p.Gly2288Ser)

Gene: POLQ (DNA polymerase theta; minus strand). Cytogenetic location: 3q13.33.
Variant type: single nucleotide variant.
Coding change: c.6862G>A on transcript NM_199420.4 (MANE Select); coding-DNA position 6862, G replaced by A.
Protein change: p.Gly2288Ser; replaces glycine 2288 with serine.
Molecular consequence: missense variant.
Genome position (GRCh38, 1-based): chr3:121,467,624, C>T on the plus strand (G>A on the coding strand, the complement: POLQ is on the minus strand). VCF-style: chr3-121467624-C-T. GRCh37 (hg19) VCF-style: chr3-121186471-C-T.
Other names: short protein forms G2288S.
Identifiers: ClinVar variation 2560541 (VCV002560541.2), dbSNP rs771739818, ClinGen allele CA2562332.

ClinVar aggregate classification (germline): Uncertain significance (1 of 4 stars; one submission).

Allele frequency attached by ClinVar (database versions not stated): TOPMed below 0.00001; ExAC 0.00001.

Submission:

Ambry Genetics
Classification: Uncertain significance. Last evaluated: 2023-05-04. Review status: criteria provided, single submitter. Criteria: Ambry Variant Classification Scheme 2023. Collection method: clinical testing. Allele origin: germline.
Comment: The p.G2288S variant (also known as c.6862G>A), located in coding exon 24 of the POLQ gene, results from a G to A substitution at nucleotide position 6862. The glycine at codon 2288 is replaced by serine, an amino acid with similar properties. This amino acid position is conserved. In addition, this alteration is predicted to be tolerated by in silico analysis. Since supporting evidence is limited at this time, the clinical significance of this alteration remains unclear.